The following is an entry in ClinVar:

ClinVar aggregate classification (germline): Uncertain significance (1 of 4 stars; one submission).

gnomAD v4.1: 13 of 1,613,828 alleles (0.00081%); highest among the groups gnomAD compares: Middle Eastern, 0.017%; no homozygotes.

Submission:

Labcorp Genetics (formerly Invitae), Labcorp
Classification: Uncertain significance. Last evaluated: 2026-01-12. Review status: criteria provided, single submitter. Criteria: Invitae Variant Classification Sherloc (09022015). Collection method: clinical testing. Allele origin: germline.
Comment: This sequence change replaces threonine, which is neutral and polar, with methionine, which is neutral and non-polar, at codon 536 of the C3 protein (p.Thr536Met). This variant is present in population databases (rs748333328, gnomAD 0.006%). This variant has not been reported in the literature in individuals affected with C3-related conditions. Invitae Evidence Modeling of protein sequence and biophysical properties (such as structural, functional, and spatial information, amino acid conservation, physicochemical variation, residue mobility, and thermodynamic stability) indicates that this missense variant is not expected to disrupt C3 protein function with a negative predictive value of 80%. In summary, the available evidence is currently insufficient to determine the role of this variant in disease. Therefore, it has been classified as a Variant of Uncertain Significance.

NM_000064.4(C3):c.1607C>T (p.Thr536Met)

Gene: C3 (complement C3; minus strand). Cytogenetic location: 19p13.3.
Variant type: single nucleotide variant.
Coding change: c.1607C>T on transcript NM_000064.4 (MANE Select); coding-DNA position 1607, C replaced by T.
Protein change: p.Thr536Met; replaces threonine 536 with methionine.
Molecular consequence: missense variant.
Genome position (GRCh38, 1-based): chr19:6,710,718, G>A on the plus strand (C>T on the coding strand, the complement: C3 is on the minus strand). VCF-style: chr19-6710718-G-A. GRCh37 (hg19) VCF-style: chr19-6710729-G-A.
Other names: short protein forms T536M.
Identifiers: ClinVar variation 4750874 (VCV004750874.1).